The following is an entry in ClinVar:

ClinVar aggregate classification (germline): Likely benign. Review status: criteria provided, multiple submitters, no conflicts (2 of 4 stars). 2 submissions from 2 submitters: Likely benign (2). Last evaluated 2026-04-01.

Allele frequency attached by ClinVar (database versions not stated): TOPMed below 0.00001; gnomAD 0.00001; gnomAD exomes 0.00001 and 0.00002; ExAC 0.00002.
gnomAD v4.1: 7 of 1,614,102 alleles (0.00043%); highest among the groups gnomAD compares: Admixed American, 0.0083%; no homozygotes.

Submissions (2):

CeGaT Center for Human Genetics Tuebingen
Classification: Likely benign. Last evaluated: 2026-04-01. Review status: criteria provided, single submitter. Criteria: CeGaT Center For Human Genetics Tuebingen Variant Classification Criteria Version 2. Collection method: clinical testing. Allele origin: germline. Affected: yes. Observed: 1 variant allele.
Comment: CYP11B1: BP4, BP7

Labcorp Genetics (formerly Invitae), Labcorp
Classification: Likely benign. Last evaluated: 2024-09-02. Review status: criteria provided, single submitter. Criteria: Invitae Variant Classification Sherloc (09022015). Collection method: clinical testing. Allele origin: germline.

NM_000497.4(CYP11B1):c.1204T>C (p.Leu402=)

Genes: CYP11B1 (cytochrome P450 family 11 subfamily B member 1; minus strand), LOC106799833 (CYP11B1 recombination region; plus strand). Cytogenetic location: 8q24.3.
Variant type: single nucleotide variant.
Coding change: c.1204T>C on transcript NM_000497.4 (MANE Select); coding-DNA position 1204, T replaced by C.
Protein change: p.Leu402=; no amino-acid change (leucine 402 retained).
Molecular consequence: synonymous variant. On other transcripts: intron variant (1).
Genome position (GRCh38, 1-based): chr8:142,875,151, A>G on the plus strand (T>C on the coding strand, the complement: CYP11B1 is on the minus strand). VCF-style: chr8-142875151-A-G. GRCh37 (hg19) VCF-style: chr8-143956567-A-G.
Other names: c.1200+83T>C (NM_001026213.1).
Identifiers: ClinVar variation 1096518 (VCV001096518.11), dbSNP rs748092288, ClinGen allele CA4905064.